The following is an entry in ClinVar:

NM_001170629.2(CHD8):c.6463C>T (p.Pro2155Ser)

Gene: CHD8 (chromodomain helicase DNA binding protein 8; minus strand). Cytogenetic location: 14q11.2.
Variant type: single nucleotide variant.
Coding change: c.6463C>T on transcript NM_001170629.2 (MANE Select); coding-DNA position 6463, C replaced by T.
Protein change: p.Pro2155Ser; replaces proline 2155 with serine.
Molecular consequence: missense variant.
Genome position (GRCh38, 1-based): chr14:21,393,111, G>A on the plus strand (C>T on the coding strand, the complement: CHD8 is on the minus strand). VCF-style: chr14-21393111-G-A. GRCh37 (hg19) VCF-style: chr14-21861270-G-A.
Other names: c.5626C>T, p.Pro1876Ser (NM_020920.4); short protein forms P1876S, P2155S.
Identifiers: ClinVar variation 1308578 (VCV001308578.2), dbSNP rs2139445985, ClinGen allele CA388879000.
Genomic context (GRCh38, chr14:21,393,111, plus strand): 5'-ACTGTTACACTGTATTTCTGGACTCTACATGTCCAGGGATGAGGCTGTTTGTTACCTTGG[G>A]CCACTCAGAGGCTCTTTGTCTTTCCTGCAGTAGCAGAAGCTCAGGGGTCATTTGTTCTCC-3'
Protein context (NP_001164100.1, residues 2145-2165): LQERQRASEW[Pro2155Ser]KDRVLINRID

ClinVar aggregate classification (germline): Uncertain significance (1 of 4 stars; one submission).

Submission:

GeneDx
Classification: Uncertain significance. Last evaluated: 2019-04-08. Review status: criteria provided, single submitter. Criteria: GeneDx Variant Classification Process June 2021. Collection method: clinical testing. Allele origin: germline. Affected: yes.
Comment: Not observed in large population cohorts (Lek et al., 2016); In silico analysis, which includes protein predictors and evolutionary conservation, supports a deleterious effect; Has not been previously published as pathogenic or benign to our knowledge